The following is an entry in ClinVar:

NM_000017.4(ACADS):c.995C>T (p.Ala332Val)

Gene: ACADS (acyl-CoA dehydrogenase short chain; plus strand). Cytogenetic location: 12q24.31.
Variant type: single nucleotide variant.
Coding change: c.995C>T on transcript NM_000017.4 (MANE Select); coding-DNA position 995, C replaced by T.
Protein change: p.Ala332Val; replaces alanine 332 with valine.
Molecular consequence: missense variant.
Genome position (GRCh38, 1-based): chr12:120,738,881, C>T. VCF-style: chr12-120738881-C-T. GRCh37 (hg19) VCF-style: chr12-121176684-C-T.
Other names: c.983C>T, p.Ala328Val (NM_001302554.2); short protein forms A332V, A328V.
Identifiers: ClinVar variation 551883 (VCV000551883.4), dbSNP rs1555244290, ClinGen allele CA386601538.
Genomic context (GRCh38, chr12:120,738,881, plus strand): 5'-TCAAGTTGGCAGACATGGCCCTGGCCCTGGAGAGTGCCCGGCTGCTGACCTGGCGCGCTG[C>T]CATGCTGAAGGATAACAAGAAGCCTTTCATCAAGGTGCCCACAGGGGTCCCCGAGCCATG-3'
Protein context (NP_000008.1, residues 322-342): ESARLLTWRA[Ala332Val]MLKDNKKPFI

ClinVar aggregate classification (germline): Uncertain significance. Review status: criteria provided, single submitter (1 of 4 stars). 2 submissions from 2 submitters: Uncertain significance (1). 1 of the submissions does not count toward it. Last evaluated 2024-02-06.

Conditions:
Deficiency of butyryl-CoA dehydrogenase (ACADSD). Also called: SCAD DEFICIENCY, MILD; ACYL-CoA DEHYDROGENASE, SHORT-CHAIN, DEFICIENCY OF; ACADS DEFICIENCY; Short-Chain Acyl-CoA Dehydrogenase Deficiency; SCAD Deficiency; SCADH DEFICIENCY. Identifiers: Orphanet 26792, MedGen C0342783, MONDO:0008722, OMIM 201470. Disease mechanism: May be benign.

Allele frequency attached by ClinVar (database versions not stated): gnomAD exomes below 0.00001.
gnomAD v4.1: 2 of 1,613,824 alleles (0.00012%); highest among the groups gnomAD compares: Non-Finnish European, 0.00017%; no homozygotes.

Submissions (2):

Labcorp Genetics (formerly Invitae), Labcorp
Classification: Uncertain significance for Deficiency of butyryl-CoA dehydrogenase. Last evaluated: 2024-02-06. Review status: criteria provided, single submitter. Criteria: Invitae Variant Classification Sherloc (09022015). Collection method: clinical testing. Allele origin: germline.
Comment: This sequence change replaces alanine, which is neutral and non-polar, with valine, which is neutral and non-polar, at codon 332 of the ACADS protein (p.Ala332Val). This variant is not present in population databases (gnomAD no frequency). This missense change has been observed in individual(s) with short-chain acyl-coenzyme A dehydrogenase deficiency (PMID: 18523805). ClinVar contains an entry for this variant (Variation ID: 551883). Advanced modeling of protein sequence and biophysical properties (such as structural, functional, and spatial information, amino acid conservation, physicochemical variation, residue mobility, and thermodynamic stability) performed at Invitae indicates that this missense variant is expected to disrupt ACADS protein function with a positive predictive value of 95%. Experimental studies have shown that this missense change affects ACADS function (PMID: 18523805). In summary, the available evidence is currently insufficient to determine the role of this variant in disease. Therefore, it has been classified as a Variant of Uncertain Significance.

Counsyl
Classification: Uncertain significance for Deficiency of butyryl-CoA dehydrogenase. Last evaluated: 2017-05-16. Review status: no assertion criteria provided. Collection method: clinical testing. Allele origin: unknown. Not counted in ClinVar's aggregate classification.

Literature cited by the submitters: PubMed 18523805 (cited by Labcorp Genetics (formerly Invitae), Labcorp and Counsyl).